The following is an entry in ClinVar:

ClinVar aggregate classification (germline): Uncertain significance (1 of 4 stars; one submission).

Conditions:
Xanthinuria type II. Also called: Xanthine dehydrogenase and aldehyde oxidase combined deficiency of; XDH and AOX dual deficiency. Identifiers: Orphanet 3467, Orphanet 93602, MedGen C1863688, MONDO:0011346, OMIM 603592.

Submission:

Labcorp Genetics (formerly Invitae), Labcorp
Classification: Uncertain significance for Xanthinuria type II. Last evaluated: 2019-10-30. Review status: criteria provided, single submitter. Criteria: Invitae Variant Classification Sherloc (09022015). Collection method: clinical testing. Allele origin: germline.
Comment: In summary, the available evidence is currently insufficient to determine the role of this variant in disease. Therefore, it has been classified as a Variant of Uncertain Significance. Algorithms developed to predict the effect of missense changes on protein structure and function are either unavailable or do not agree on the potential impact of this missense change (SIFT: "Tolerated"; PolyPhen-2: "Probably Damaging"; Align-GVGD: "Class C0"). This variant has not been reported in the literature in individuals with MOCOS-related conditions. This variant is not present in population databases (ExAC no frequency). This sequence change replaces glutamine with arginine at codon 818 of the MOCOS protein (p.Gln818Arg). The glutamine residue is highly conserved and there is a small physicochemical difference between glutamine and arginine.

NM_017947.4(MOCOS):c.2453A>G (p.Gln818Arg)

Gene: MOCOS (molybdenum cofactor sulfurase; plus strand). Cytogenetic location: 18q12.2.
Variant type: single nucleotide variant.
Coding change: c.2453A>G on transcript NM_017947.4 (MANE Select); coding-DNA position 2453, A replaced by G.
Protein change: p.Gln818Arg; replaces glutamine 818 with arginine.
Molecular consequence: missense variant.
Genome position (GRCh38, 1-based): chr18:36,266,792, A>G. VCF-style: chr18-36266792-A-G. GRCh37 (hg19) VCF-style: chr18-33846755-A-G.
Other names: short protein forms Q818R.
Identifiers: ClinVar variation 953836 (VCV000953836.9), dbSNP rs2091683459, ClinGen allele CA402291315.